The following is an entry in ClinVar:

ClinVar aggregate classification (germline): Uncertain significance. Review status: criteria provided, multiple submitters, no conflicts (2 of 4 stars). 2 submissions from 2 submitters: Uncertain significance (2). Last evaluated 2025-07-14.

Conditions:
Hereditary cancer-predisposing syndrome. Also called: Neoplastic Syndromes, Hereditary; Tumor predisposition; Hereditary Cancer Syndrome; Hereditary neoplastic syndrome. Identifiers: Orphanet 140162, MedGen C0027672, MeSH D009386, MONDO:0015356.
Oligodontia-cancer predisposition syndrome. Also called: TOOTH AGENESIS-COLORECTAL CANCER SYNDROME. Identifiers: Orphanet 300576, MedGen C1837750, MONDO:0012075, OMIM 608615. Disease mechanism: loss of function.

Allele frequency attached by ClinVar (database versions not stated): gnomAD exomes below 0.00001; ExAC 0.00001.
gnomAD v4.1: 1 of 1,603,670 alleles (0.000062%); highest among the groups gnomAD compares: Non-Finnish European, 0.000085%; no homozygotes.

Submissions (2):

Labcorp Genetics (formerly Invitae), Labcorp
Classification: Uncertain significance for Oligodontia-cancer predisposition syndrome. Last evaluated: 2025-07-14. Review status: criteria provided, single submitter. Criteria: Invitae Variant Classification Sherloc (09022015). Collection method: clinical testing. Allele origin: germline.
Comment: This sequence change replaces serine, which is neutral and polar, with cysteine, which is neutral and slightly polar, at codon 53 of the AXIN2 protein (p.Ser53Cys). This variant is present in population databases (rs760625400, gnomAD 0.0009%). This variant has not been reported in the literature in individuals affected with AXIN2-related conditions. ClinVar contains an entry for this variant (Variation ID: 1025523). Invitae Evidence Modeling of protein sequence and biophysical properties (such as structural, functional, and spatial information, amino acid conservation, physicochemical variation, residue mobility, and thermodynamic stability) indicates that this missense variant is not expected to disrupt AXIN2 protein function with a negative predictive value of 80%. In summary, the available evidence is currently insufficient to determine the role of this variant in disease. Therefore, it has been classified as a Variant of Uncertain Significance.

Ambry Genetics
Classification: Uncertain significance for Hereditary cancer-predisposing syndrome. Last evaluated: 2023-11-22. Review status: criteria provided, single submitter. Criteria: Ambry Variant Classification Scheme 2023. Collection method: clinical testing. Allele origin: germline.
Comment: The p.S53C variant (also known as c.158C>G), located in coding exon 1 of the AXIN2 gene, results from a C to G substitution at nucleotide position 158. The serine at codon 53 is replaced by cysteine, an amino acid with dissimilar properties. In one study, this variant was detected in 1/1231 colorectal cancer cases and 0/93 controls (DeRycke MS et al. Mol Genet Genomic Med, 2017 Sep;5:553-569). This amino acid position is well conserved in available vertebrate species. In addition, the in silico prediction for this alteration is inconclusive. Since supporting evidence is limited at this time, the clinical significance of this alteration remains unclear.

Literature cited by the submitters: PubMed 28944238 (cited by Ambry Genetics).

NM_004655.4(AXIN2):c.158C>G (p.Ser53Cys)

Gene: AXIN2 (axin 2; minus strand). Cytogenetic location: 17q24.1.
Variant type: single nucleotide variant.
Coding change: c.158C>G on transcript NM_004655.4 (MANE Select); coding-DNA position 158, C replaced by G.
Protein change: p.Ser53Cys; replaces serine 53 with cysteine.
Molecular consequence: missense variant.
Genome position (GRCh38, 1-based): chr17:65,558,463, G>C on the plus strand (C>G on the coding strand, the complement: AXIN2 is on the minus strand). VCF-style: chr17-65558463-G-C. GRCh37 (hg19) VCF-style: chr17-63554581-G-C.
Other names: c.158C>G (NM_004655.3); c.158C>G, p.Ser53Cys (NM_001363813.1); short protein forms S53C.
Identifiers: ClinVar variation 1025523 (VCV001025523.9), dbSNP rs760625400, ClinGen allele CA8719090.
Genomic context (GRCh38, chr17:65,558,463, plus strand): 5'-GAATCCGGAGATGCCCGCCCCTCCGGCTCCCCCAACCCATCTTCGTTCCGCCTGGTGTTG[G>C]AAGAGACAGGCATGGGTTTGGTGACCTGGCCCTTGCCCACCCCTGGCTGACACGGTGGGG-3'
Protein context (NP_004646.3, residues 43-63): GQVTKPMPVS[Ser53Cys]NTRRNEDGLG